The following is an entry in ClinVar:

NM_000191.3(HMGCL):c.841C>G (p.Leu281Val)

Gene: HMGCL (3-hydroxy-3-methylglutaryl-CoA lyase; minus strand). Cytogenetic location: 1p36.11.
Variant type: single nucleotide variant.
Coding change: c.841C>G on transcript NM_000191.3 (MANE Select); coding-DNA position 841, C replaced by G.
Protein change: p.Leu281Val; replaces leucine 281 with valine.
Molecular consequence: missense variant.
Genome position (GRCh38, 1-based): chr1:23,804,435, G>C on the plus strand (C>G on the coding strand, the complement: HMGCL is on the minus strand). VCF-style: chr1-23804435-G-C. GRCh37 (hg19) VCF-style: chr1-24130925-G-C.
Other names: c.628C>G, p.Leu210Val (NM_001166059.2); short protein forms L281V, L210V.
Identifiers: ClinVar variation 1425028 (VCV001425028.3), dbSNP rs1638363122, ClinGen allele CA339020943.

ClinVar aggregate classification (germline): Uncertain significance (1 of 4 stars; one submission).

Conditions:
Deficiency of hydroxymethylglutaryl-CoA lyase (HMGCLD). Also called: Defect in leucine metabolism; 3-hydroxy-3-methylglutaric aciduria; HMG-CoA LYASE DEFICIENCY; HMGCL DEFICIENCY; HYDROXYMETHYLGLUTARIC ACIDURIA. Identifiers: Orphanet 20, MedGen C1533587, MONDO:0009520, OMIM 246450.

Submission:

Labcorp Genetics (formerly Invitae), Labcorp
Classification: Uncertain significance for Deficiency of hydroxymethylglutaryl-CoA lyase. Last evaluated: 2021-10-11. Review status: criteria provided, single submitter. Criteria: Invitae Variant Classification Sherloc (09022015). Collection method: clinical testing. Allele origin: germline.
Comment: This sequence change replaces leucine with valine at codon 281 of the HMGCL protein (p.Leu281Val). The leucine residue is moderately conserved and there is a small physicochemical difference between leucine and valine. This variant is not present in population databases (ExAC no frequency). This variant has not been reported in the literature in individuals affected with HMGCL-related conditions. Algorithms developed to predict the effect of missense changes on protein structure and function (SIFT, PolyPhen-2, Align-GVGD) all suggest that this variant is likely to be tolerated. In summary, the available evidence is currently insufficient to determine the role of this variant in disease. Therefore, it has been classified as a Variant of Uncertain Significance.